The following is an entry in ClinVar:

ClinVar aggregate classification (germline): Uncertain significance (1 of 4 stars; one submission).

Allele frequency attached by ClinVar (database versions not stated): gnomAD 0.00001; TOPMed 0.00001; gnomAD exomes 0.00002; ExAC 0.00003.
gnomAD v4.1: 30 of 1,613,268 alleles (0.0019%); highest among the groups gnomAD compares: Admixed American, 0.0033%; no homozygotes.

Submission:

Labcorp Genetics (formerly Invitae), Labcorp
Classification: Uncertain significance. Last evaluated: 2025-12-22. Review status: criteria provided, single submitter. Criteria: Invitae Variant Classification Sherloc (09022015). Collection method: clinical testing. Allele origin: germline.
Comment: This sequence change replaces serine, which is neutral and polar, with threonine, which is neutral and polar, at codon 180 of the ARIH1 protein (p.Ser180Thr). This variant is present in population databases (rs775316269, gnomAD 0.004%). This variant has not been reported in the literature in individuals affected with ARIH1-related conditions. ClinVar contains an entry for this variant (Variation ID: 2170408). An algorithm developed to predict the effect of missense changes on protein structure and function (PolyPhen-2) suggests that this variant is likely to be tolerated. In summary, the available evidence is currently insufficient to determine the role of this variant in disease. Therefore, it has been classified as a Variant of Uncertain Significance.

NM_005744.5(ARIH1):c.538T>A (p.Ser180Thr)

Gene: ARIH1 (ariadne RBR E3 ubiquitin protein ligase 1; plus strand). Cytogenetic location: 15q24.1.
Variant type: single nucleotide variant.
Coding change: c.538T>A on transcript NM_005744.5 (MANE Select); coding-DNA position 538, T replaced by A.
Protein change: p.Ser180Thr; replaces serine 180 with threonine.
Molecular consequence: missense variant.
Genome position (GRCh38, 1-based): chr15:72,544,914, T>A. VCF-style: chr15-72544914-T-A. GRCh37 (hg19) VCF-style: chr15-72837255-T-A.
Other names: short protein forms S180T.
Identifiers: ClinVar variation 2170408 (VCV002170408.4), dbSNP rs775316269, ClinGen allele CA7645521.
Genomic context (GRCh38, chr15:72,544,914, plus strand): 5'-GAGTGTCATGTAATTAATCCAAGTAAAAAGTCTCGAACACGCCAGATGAATACAAGGTCA[T>A]CAGCACAGGATATGCCTTGTCAGATCTGCTACTTGAACTACCCTAACTCGGTGAGTATCT-3'
Protein context (NP_005735.2, residues 170-190): SRTRQMNTRS[Ser180Thr]AQDMPCQICY